The following is an entry in ClinVar:

ClinVar aggregate classification (germline): Likely pathogenic (1 of 4 stars; one submission).

Conditions:
Alzheimer disease. Also called: Presenile and senile dementia; Alzheimer's disease. Identifiers: Orphanet 1020, MedGen C0002395, MeSH D000544, MONDO:0004975, HP:0002511.

Submission:

Human Genetics Group at Institute of Prion Diseases London, University College London
Classification: Likely pathogenic for Alzheimer disease type 1. Last evaluated: 2017-02-01. Review status: criteria provided, single submitter. Criteria: Koriath et al. 2018. Collection method: research. Allele origin: unknown. Affected: yes. Observed: 1 variant allele.
Comment: not on exac. not on molgen, but 2 mutations at same locus pathogenic (one change to Arg, one to His); these are both charged aminoacid in a transmembrane domain and Proline is a special case, but with a very different sidechain from Gln

Confirmed by Sanger sequencing

NM_000021.4(PSEN1):c.665A>C (p.Gln222Pro)

Gene: PSEN1 (presenilin 1; plus strand). Cytogenetic location: 14q24.2.
Variant type: single nucleotide variant.
Coding change: c.665A>C on transcript NM_000021.4 (MANE Select); coding-DNA position 665, A replaced by C.
Protein change: p.Gln222Pro; replaces glutamine 222 with proline.
Molecular consequence: missense variant.
Genome position (GRCh38, 1-based): chr14:73,192,760, A>C. VCF-style: chr14-73192760-A-C. GRCh37 (hg19) VCF-style: chr14-73659468-A-C.
Other names: c.653A>C, p.Gln218Pro (NM_007318.3); short protein forms Q222P, Q218P.
Identifiers: ClinVar variation 599623 (VCV000599623.1), dbSNP rs63750009, ClinGen allele CA390299622.
Genomic context (GRCh38, chr14:73,192,760, plus strand): 5'-TCTGGAATTTTGGTGTGGTGGGAATGATTTCCATTCACTGGAAAGGTCCACTTCGACTCC[A>C]GCAGGCATATCTCATTATGATTAGTGCCCTCATGGCCCTGGTGTTTATCAAGTACCTCCC-3'
Protein context (NP_000012.1, residues 212-232): SIHWKGPLRL[Gln222Pro]QAYLIMISAL